The following is an entry in ClinVar:

ClinVar aggregate classification (germline): Uncertain significance (1 of 4 stars; one submission).

Conditions:
Epileptic encephalopathy. Identifiers: MedGen C0543888, HP:0200134.

Allele frequency attached by ClinVar (database versions not stated): gnomAD 0.00001; gnomAD exomes 0.00001; TOPMed 0.00001.
gnomAD v4.1: 9 of 1,583,792 alleles (0.00057%); highest among the groups gnomAD compares: Non-Finnish European, 0.00069%; no homozygotes.

Submission:

Labcorp Genetics (formerly Invitae), Labcorp
Classification: Uncertain significance for Epileptic encephalopathy. Last evaluated: 2025-11-12. Review status: criteria provided, single submitter. Criteria: Invitae Variant Classification Sherloc (09022015). Collection method: clinical testing. Allele origin: germline.
Comment: This sequence change replaces glutamine, which is neutral and polar, with histidine, which is basic and polar, at codon 1709 of the FASN protein (p.Gln1709His). The frequency data for this variant in the population databases is considered unreliable, as metrics indicate poor data quality at this position in the gnomAD database. This variant has not been reported in the literature in individuals affected with FASN-related conditions. ClinVar contains an entry for this variant (Variation ID: 1010684). An algorithm developed to predict the effect of missense changes on protein structure and function (PolyPhen-2) suggests that this variant is likely to be disruptive. In summary, the available evidence is currently insufficient to determine the role of this variant in disease. Therefore, it has been classified as a Variant of Uncertain Significance.

NM_004104.5(FASN):c.5127G>T (p.Gln1709His)

Gene: FASN (fatty acid synthase; minus strand). Cytogenetic location: 17q25.3.
Variant type: single nucleotide variant.
Coding change: c.5127G>T on transcript NM_004104.5 (MANE Select); coding-DNA position 5127, G replaced by T.
Protein change: p.Gln1709His; replaces glutamine 1709 with histidine.
Molecular consequence: missense variant.
Genome position (GRCh38, 1-based): chr17:82,083,863, C>A on the plus strand (G>T on the coding strand, the complement: FASN is on the minus strand). VCF-style: chr17-82083863-C-A. GRCh37 (hg19) VCF-style: chr17-80041739-C-A.
Other names: short protein forms Q1709H.
Identifiers: ClinVar variation 1010684 (VCV001010684.8), dbSNP rs1453149356, ClinGen allele CA401540656.